The following is an entry in ClinVar:

NM_000535.7(PMS2):c.467C>T (p.Thr156Ile)

Gene: PMS2 (PMS1 homolog 2, mismatch repair system component; minus strand). Cytogenetic location: 7p22.1.
Variant type: single nucleotide variant.
Coding change: c.467C>T on transcript NM_000535.7 (MANE Select); coding-DNA position 467, C replaced by T.
Protein change: p.Thr156Ile; replaces threonine 156 with isoleucine.
Molecular consequence: missense variant. On other transcripts: 5 prime UTR variant (2), non-coding transcript variant (1).
Genome position (GRCh38, 1-based): chr7:6,002,523, G>A on the plus strand (C>T on the coding strand, the complement: PMS2 is on the minus strand). VCF-style: chr7-6002523-G-A. GRCh37 (hg19) VCF-style: chr7-6042154-G-A.
Other names: c.62C>T, p.Thr21Ile (NM_001322003.2, NM_001322004.2, NM_001322005.2 and 3 more transcripts); c.467C>T, p.Thr156Ile (NM_001322006.2, NM_001322014.2); c.149C>T, p.Thr50Ile (NM_001322007.2, NM_001322008.2); c.-418C>T (NM_001322011.2, NM_001322012.2); c.158C>T, p.Thr53Ile (NM_001322015.2); short protein forms T156I, T53I, T21I, T50I.
Identifiers: ClinVar variation 525718 (VCV000525718.17), dbSNP rs1554303953, ClinGen allele CA366744293.

ClinVar aggregate classification (germline): Uncertain significance. Review status: criteria provided, multiple submitters, no conflicts (2 of 4 stars). 4 submissions from 4 submitters: Uncertain significance (4). Last evaluated 2023-10-19.

Conditions:
Mismatch repair cancer syndrome 4. Identifiers: MedGen C5436817, MONDO:0030843, OMIM 619101.
Lynch syndrome 4 (LYNCH4). Also called: Colorectal cancer, hereditary nonpolyposis, type 4; Hereditary non-polyposis colorectal cancer, type 4. Identifiers: Orphanet 144, MedGen C1838333, MONDO:0013699, OMIM 614337. Disease mechanism: loss of function.
Hereditary nonpolyposis colorectal neoplasms. Identifiers: MedGen C0009405, MeSH D003123.
Hereditary cancer-predisposing syndrome. Also called: Neoplastic Syndromes, Hereditary; Tumor predisposition; Hereditary Cancer Syndrome; Hereditary neoplastic syndrome. Identifiers: Orphanet 140162, MedGen C0027672, MeSH D009386, MONDO:0015356.
Lynch syndrome. Identifiers: Orphanet 144, MedGen C4552100, MONDO:0005835. Disease mechanism: loss of function.

Allele frequency attached by ClinVar (database versions not stated): gnomAD exomes below 0.00001.
gnomAD v4.1: 2 of 1,611,666 alleles (0.00012%); highest among the groups gnomAD compares: African/African-American, 0.0013%; no homozygotes.

Submissions (4):

Labcorp Genetics (formerly Invitae), Labcorp
Classification: Uncertain significance for Hereditary nonpolyposis colorectal neoplasms. Last evaluated: 2023-10-19. Review status: criteria provided, single submitter. Criteria: Invitae Variant Classification Sherloc (09022015). Collection method: clinical testing. Allele origin: germline.
Comment: This sequence change replaces threonine, which is neutral and polar, with isoleucine, which is neutral and non-polar, at codon 156 of the PMS2 protein (p.Thr156Ile). This variant is not present in population databases (gnomAD no frequency). This variant has not been reported in the literature in individuals affected with PMS2-related conditions. ClinVar contains an entry for this variant (Variation ID: 525718). Advanced modeling of protein sequence and biophysical properties (such as structural, functional, and spatial information, amino acid conservation, physicochemical variation, residue mobility, and thermodynamic stability) performed at Invitae indicates that this missense variant is expected to disrupt PMS2 protein function. In summary, the available evidence is currently insufficient to determine the role of this variant in disease. Therefore, it has been classified as a Variant of Uncertain Significance.

Department of Pathology and Laboratory Medicine, Sinai Health System
Classification: Uncertain significance for Lynch syndrome 4; Mismatch repair cancer syndrome 4. Last evaluated: 2023-09-22. Review status: criteria provided, single submitter. Criteria: ACMG Guidelines, 2015. Collection method: clinical testing. Allele origin: germline. Affected: no.

All of Us Research Program, National Institutes of Health
Classification: Uncertain significance for Lynch syndrome. Last evaluated: 2023-08-08. Review status: criteria provided, single submitter. Criteria: ACMG Guidelines, 2015. Collection method: clinical testing. Allele origin: germline. Inheritance: Autosomal dominant inheritance. Observed: 1 variant allele, 1 heterozygote.
Comment: This missense variant replaces threonine with isoleucine at codon 156 of the PMS2 protein. Computational prediction is inconclusive regarding the impact of this variant on protein structure and function (internally defined REVEL score threshold 0.5 < inconclusive < 0.7, PMID: 27666373). To our knowledge, functional studies have not been reported for this variant. This variant has not been reported in individuals affected with PMS2-related disorders in the literature. This variant has not been identified in the general population by the Genome Aggregation Database (gnomAD). The available evidence is insufficient to determine the role of this variant in disease conclusively. Therefore, this variant is classified as a Variant of Uncertain Significance.

This study involves interpretation of variants in research participants for the purpose of population health screening. Participant phenotype was not available at the time of variant classification. Additional details can be found in publication PMID: 35346344, PMCID: PMC8962531

Ambry Genetics
Classification: Uncertain significance for Hereditary cancer-predisposing syndrome. Last evaluated: 2019-06-04. Review status: criteria provided, single submitter. Criteria: Ambry Variant Classification Scheme 2023. Collection method: clinical testing. Allele origin: germline.
Comment: The p.T156I variant (also known as c.467C>T), located in coding exon 5 of the PMS2 gene, results from a C to T substitution at nucleotide position 467. The threonine at codon 156 is replaced by isoleucine, an amino acid with similar properties. This amino acid position is highly conserved in available vertebrate species. In addition, this alteration is predicted to be deleterious by in silico analysis. Since supporting evidence is limited at this time, the clinical significance of this alteration remains unclear.